The following is an entry in ClinVar:

ClinVar aggregate classification (germline): Conflicting classifications of pathogenicity. Review status: criteria provided, conflicting classifications (1 of 4 stars). 4 submissions from 4 submitters: Uncertain significance (1); Benign (1); Likely benign (2). Last evaluated 2026-01-27.

Conditions:
Fatal mitochondrial disease due to combined oxidative phosphorylation defect type 3. Also called: Combined oxidative phosphorylation deficiency 3; ENCEPHALOMYOPATHY, RESPIRATORY FAILURE, AND LACTIC ACIDOSIS. Identifiers: Orphanet 168566, MedGen C1864840, MONDO:0012512, OMIM 610505.

Allele frequency attached by ClinVar (database versions not stated): ExAC 0.00005; gnomAD exomes 0.00008 and 0.00014; ESP Exome Variant Server 0.00015; gnomAD 0.00015 and 0.00016; TOPMed 0.00015.

Submissions (4):

Labcorp Genetics (formerly Invitae), Labcorp
Classification: Likely benign. Last evaluated: 2026-01-27. Review status: criteria provided, single submitter. Criteria: Invitae Variant Classification Sherloc (09022015). Collection method: clinical testing. Allele origin: germline.

Blueprint Genetics
Classification: Likely benign. Last evaluated: 2024-10-29. Review status: criteria provided, single submitter. Criteria: ACMG Guidelines, 2015. Collection method: clinical testing. Allele origin: germline.

Illumina Laboratory Services, Illumina
Classification: Uncertain significance for Fatal mitochondrial disease due to combined oxidative phosphorylation defect type 3. Last evaluated: 2018-01-12. Review status: criteria provided, single submitter. Criteria: ICSL Variant Classification Criteria 13 December 2019. Collection method: clinical testing. Allele origin: germline.

GeneDx
Classification: Benign. Last evaluated: 2013-01-08. Review status: criteria provided, single submitter. Criteria: GeneDx Variant Classification (06012015). Collection method: clinical testing. Allele origin: germline. Affected: yes.
Comment: This variant is considered likely benign or benign based on one or more of the following criteria: it is a conservative change, it occurs at a poorly conserved position in the protein, it is predicted to be benign by multiple in silico algorithms, and/or has population frequency not consistent with disease.

NM_005726.6(TSFM):c.361-12T>G

Gene: TSFM (Ts translation elongation factor, mitochondrial; plus strand). Cytogenetic location: 12q14.1.
Variant type: single nucleotide variant.
Coding change: c.361-12T>G on transcript NM_005726.6 (MANE Select); 12 bases into the intron before coding-DNA position 361, T replaced by G.
Molecular consequence: intron variant.
Genome position (GRCh38, 1-based): chr12:57,787,028, T>G. VCF-style: chr12-57787028-T-G. GRCh37 (hg19) VCF-style: chr12-58180811-T-G.
Other names: c.361-12T>G (NM_001172697.2, NM_001172696.2, NM_001172695.2).
Identifiers: ClinVar variation 137763 (VCV000137763.13), dbSNP rs368313488, ClinGen allele CA291420.